The following is an entry in ClinVar:

NM_006206.6(PDGFRA):c.2764A>C (p.Thr922Pro)

Gene: PDGFRA (platelet derived growth factor receptor alpha; plus strand). Cytogenetic location: 4q12.
Variant type: single nucleotide variant.
Coding change: c.2764A>C on transcript NM_006206.6 (MANE Select); coding-DNA position 2764, A replaced by C.
Protein change: p.Thr922Pro; replaces threonine 922 with proline.
Molecular consequence: missense variant.
Genome position (GRCh38, 1-based): chr4:54,288,888, A>C. VCF-style: chr4-54288888-A-C. GRCh37 (hg19) VCF-style: chr4-55155055-A-C.
Other names: c.2839A>C, p.Thr947Pro (NM_001347828.2); c.2764A>C, p.Thr922Pro (NM_001347829.2); c.2803A>C, p.Thr935Pro (NM_001347830.2); short protein forms T922P, T947P, T935P.
Identifiers: ClinVar variation 571925 (VCV000571925.9), dbSNP rs1560491769, ClinGen allele CA356895604.

ClinVar aggregate classification (germline): Uncertain significance (1 of 4 stars; one submission).

Conditions:
Gastrointestinal stromal tumor. Also called: Gastrointestinal stromal tumor, somatic; Gastrointestinal stroma tumor. Identifiers: Orphanet 44890, MedGen C0238198, MeSH D046152, MONDO:0011719, OMIM 606764, HP:0100723.

Submission:

Labcorp Genetics (formerly Invitae), Labcorp
Classification: Uncertain significance for Gastrointestinal stromal tumor. Last evaluated: 2020-01-11. Review status: criteria provided, single submitter. Criteria: Invitae Variant Classification Sherloc (09022015). Collection method: clinical testing. Allele origin: germline.
Comment: In summary, the available evidence is currently insufficient to determine the role of this variant in disease. Therefore, it has been classified as a Variant of Uncertain Significance. Algorithms developed to predict the effect of missense changes on protein structure and function (SIFT, PolyPhen-2, Align-GVGD) all suggest that this variant is likely to be tolerated, but these predictions have not been confirmed by published functional studies and their clinical significance is uncertain. This variant has not been reported in the literature in individuals with PDGFRA-related disease. This variant is not present in population databases (ExAC no frequency). This sequence change replaces threonine with proline at codon 922 of the PDGFRA protein (p.Thr922Pro). The threonine residue is moderately conserved and there is a small physicochemical difference between threonine and proline.